The following is an entry in ClinVar:

ClinVar aggregate classification (germline): Pathogenic (1 of 4 stars; one submission).

Conditions:
Congenital myasthenic syndrome (CMS). Also called: Congenital Myasthenic Syndromes. Identifiers: Orphanet 590, MedGen C0751882, MeSH D020294, MONDO:0018940.

Submission:

Myriad Genetics, Inc.
Classification: Pathogenic for Congenital myasthenic syndrome. Last evaluated: 2026-07-30. Review status: criteria provided, single submitter. Criteria: Myriad Autosomal Dominant, Autosomal Recessive and X-Linked Classification Criteria (2023). Collection method: clinical testing. Allele origin: unknown.
Comment: NM_000080.3(CHRNE):c.35delT(L12Wfs*46) is expected to be pathogenic in the context of congenital myasthenic syndrome, CHRNE-related. This variant is predicted to lead to an abnormal or absent protein product due to the creation of a premature termination codon in CHRNE, a gene where loss-of-function variants are known to be pathogenic. Please note: this variant was assessed in the context of healthy population screening.

NM_000080.4(CHRNE):c.35del (p.Leu12fs)

Genes: C17orf107 (chromosome 17 open reading frame 107; plus strand), CHRNE (cholinergic receptor nicotinic epsilon subunit; minus strand). Cytogenetic location: 17p13.2.
Variant type: Deletion.
Coding change: c.35del on transcript NM_000080.4 (MANE Select); coding-DNA position 35, one base deleted (T; older notation c.35delT).
Protein change: p.Leu12fs; shifts the reading frame from leucine 12.
Molecular consequence: frameshift variant.
Genome position (GRCh38, 1-based): chr17:4,903,029, A deleted on the plus strand (T on the coding strand, the reverse complement: CHRNE is on the minus strand); the first of 2 consecutive A bases (chr17:4,903,029-4,903,030); deleting either gives the same sequence. VCF-style (leftmost placement, unchanged base first): chr17-4903028-CA-C. GRCh37 (hg19) VCF-style: chr17-4806323-CA-C.
Other names: short protein forms L12fs.
Identifiers: ClinVar variation 5016184 (VCV005016184.1).